The following is an entry in ClinVar:

NM_001972.4(ELANE):c.200C>T (p.Ser67Leu)

Gene: ELANE (elastase, neutrophil expressed; plus strand). Cytogenetic location: 19p13.3.
Variant type: single nucleotide variant.
Coding change: c.200C>T on transcript NM_001972.4 (MANE Select); coding-DNA position 200, C replaced by T.
Protein change: p.Ser67Leu; replaces serine 67 with leucine.
Molecular consequence: missense variant.
Genome position (GRCh38, 1-based): chr19:853,008, C>T. VCF-style: chr19-853008-C-T. GRCh37 (hg19) VCF-style: chr19-853008-C-T.
Other names: short protein forms S67L.
Identifiers: ClinVar variation 2196229 (VCV002196229.4), dbSNP rs1353735959, ClinGen allele CA402914880.
Genomic context (GRCh38, chr19:853,008, plus strand): 5'-TGCAGCTGCGCGGAGGCCACTTCTGCGGCGCCACCCTGATTGCGCCCAACTTCGTCATGT[C>T]GGCCGCGCACTGCGTGGCGAATGTGTGAGTAGCCGGGAGTGTGCGCGCCCGGCTCGGACC-3'
Protein context (NP_001963.1, residues 57-77): ATLIAPNFVM[Ser67Leu]AAHCVANVNV

ClinVar aggregate classification (germline): Uncertain significance (1 of 4 stars; one submission).

Conditions:
Cyclical neutropenia. Also called: Cyclic hematopoiesis; Cyclic Neutropenia. Identifiers: Orphanet 2686, MedGen C0221023, MONDO:0008090, OMIM 162800, HP:0040289. Disease mechanism: loss of function.
Neutropenia, severe congenital, 1, autosomal dominant. Identifiers: MedGen C1859966, MONDO:0042490, OMIM 202700.

Submission:

Labcorp Genetics (formerly Invitae), Labcorp
Classification: Uncertain significance for Neutropenia, severe congenital, 1, autosomal dominant; Cyclical neutropenia. Last evaluated: 2022-10-08. Review status: criteria provided, single submitter. Criteria: Invitae Variant Classification Sherloc (09022015). Collection method: clinical testing. Allele origin: germline.
Comment: Advanced modeling of protein sequence and biophysical properties (such as structural, functional, and spatial information, amino acid conservation, physicochemical variation, residue mobility, and thermodynamic stability) performed at Invitae indicates that this missense variant is not expected to disrupt ELANE protein function. In summary, the available evidence is currently insufficient to determine the role of this variant in disease. Therefore, it has been classified as a Variant of Uncertain Significance. This variant disrupts the p.Ser67 amino acid residue in ELANE. Other variant(s) that disrupt this residue have been observed in individuals with ELANE-related conditions (PMID: 23463630, 25162927, 31321910), which suggests that this may be a clinically significant amino acid residue. This variant has not been reported in the literature in individuals affected with ELANE-related conditions. This variant is not present in population databases (gnomAD no frequency). This sequence change replaces serine, which is neutral and polar, with leucine, which is neutral and non-polar, at codon 67 of the ELANE protein (p.Ser67Leu).

Literature cited by the submitters: PubMed 23463630; PubMed 25162927; PubMed 31321910.